The following is an entry in ClinVar:

NM_000059.4(BRCA2):c.6606T>C (p.Asp2202=)

Gene: BRCA2 (BRCA2 DNA repair associated; plus strand). Cytogenetic location: 13q13.1.
Variant type: single nucleotide variant.
Coding change: c.6606T>C on transcript NM_000059.4 (MANE Select); coding-DNA position 6606, T replaced by C.
Protein change: p.Asp2202=; no amino-acid change (aspartic acid 2202 retained).
Molecular consequence: synonymous variant.
Genome position (GRCh38, 1-based): chr13:32,340,961, T>C. VCF-style: chr13-32340961-T-C. GRCh37 (hg19) VCF-style: chr13-32915098-T-C.
Identifiers: ClinVar variation 1110743 (VCV001110743.11), dbSNP rs960827657, ClinGen allele CA247514160.

ClinVar aggregate classification (germline): Likely benign. Review status: criteria provided, multiple submitters, no conflicts (2 of 4 stars). 3 submissions from 3 submitters: Likely benign (3). Last evaluated 2024-10-05.

Conditions:
Breast and/or ovarian cancer. Identifiers: MedGen CN221562.
Hereditary breast ovarian cancer syndrome. Also called: Breast and ovarian cancer; BRCA1- and BRCA2-Associated Hereditary Breast and Ovarian Cancer; Hereditary breast and/or ovarian cancer syndrome; Hereditary breast and ovarian cancer syndrome; Hereditary breast and ovarian cancer syndrome (HBOC); Hereditary breast and ovarian cancer. Identifiers: Orphanet 145, MedGen C0677776, MeSH D061325, MONDO:0003582. Disease mechanism: loss of function.

Allele frequency attached by ClinVar (database versions not stated): gnomAD exomes below 0.00001.
gnomAD v4.1: 2 of 1,609,086 alleles (0.00012%); highest among the groups gnomAD compares: Non-Finnish European, 0.00017%; no homozygotes.

Submissions (3):

Labcorp Genetics (formerly Invitae), Labcorp
Classification: Likely benign for Hereditary breast ovarian cancer syndrome. Last evaluated: 2024-10-05. Review status: criteria provided, single submitter. Criteria: Invitae Variant Classification Sherloc (09022015). Collection method: clinical testing. Allele origin: germline.

CHEO Genetics Diagnostic Laboratory, Children's Hospital of Eastern Ontario
Classification: Likely benign for Breast and/or ovarian cancer. Last evaluated: 2022-03-29. Review status: criteria provided, single submitter. Criteria: ACMG Guidelines, 2015. Collection method: clinical testing. Allele origin: germline.

Women's Health and Genetics/Laboratory Corporation of America, LabCorp
Classification: Likely benign. Last evaluated: 2021-05-29. Review status: criteria provided, single submitter. Criteria: LabCorp Variant Classification Summary - May 2015. Collection method: clinical testing. Allele origin: germline.
Comment: Variant summary: BRCA2 c.6606T>C alters a non-conserved nucleotide resulting in a synonymous change. 4/4 computational tools predict no significant impact on normal splicing. However, these predictions have yet to be confirmed by functional studies. The variant was absent in 244878 control chromosomes. The available data on variant occurrences in the general population are insufficient to allow any conclusion about variant significance. To our knowledge, no occurrence of c.6606T>C in individuals affected with Hereditary Breast And Ovarian Cancer Syndrome and no experimental evidence demonstrating its impact on protein function have been reported. One clinical diagnostic laboratory has submitted clinical-significance assessments for this variant to ClinVar after 2014 without evidence for independent evaluation and classified the variant as likely benign. Based on the evidence outlined above, the variant was classified as likely benign.